The following is an entry in ClinVar:

NM_000179.3(MSH6):c.3172+11G>A

Gene: MSH6 (mutS homolog 6; plus strand). Cytogenetic location: 2p16.3.
Variant type: single nucleotide variant.
Coding change: c.3172+11G>A on transcript NM_000179.3 (MANE Select); 11 bases into the intron after coding-DNA position 3172, G replaced by A.
Molecular consequence: intron variant.
Genome position (GRCh38, 1-based): chr2:47,801,166, G>A. VCF-style: chr2-47801166-G-A. GRCh37 (hg19) VCF-style: chr2-48028305-G-A.
Other names: c.2266+11G>A (NM_001281493.2, NM_001281494.2); c.2782+11G>A (NM_001281492.2).
Identifiers: ClinVar variation 390705 (VCV000390705.1), dbSNP rs1057523866, ClinGen allele CA16604194.

ClinVar aggregate classification (germline): Likely benign (1 of 4 stars; one submission).

Submission:

GeneDx
Classification: Likely benign. Last evaluated: 2016-11-02. Review status: criteria provided, single submitter. Criteria: GeneDx Variant Classification (06012015). Collection method: clinical testing. Allele origin: germline. Affected: yes.
Comment: This variant is considered likely benign or benign based on one or more of the following criteria: it is a conservative change, it occurs at a poorly conserved position in the protein, it is predicted to be benign by multiple in silico algorithms, and/or has population frequency not consistent with disease.